The following is an entry in ClinVar:

ClinVar aggregate classification (germline): Uncertain significance. Review status: criteria provided, multiple submitters, no conflicts (2 of 4 stars). 6 submissions from 6 submitters: Uncertain significance (6). Last evaluated 2025-10-01.

Conditions:
Chuvash polycythemia. Also called: POLYCYTHEMIA, VHL-DEPENDENT. Identifiers: Orphanet 238557, MedGen C1837915, MONDO:0009892, OMIM 263400.
Von Hippel-Lindau syndrome (VHLS). Also called: von Hippel–Lindau syndrome; Von Hippel-Lindau; VHL syndrome. Identifiers: Orphanet 892, MedGen C0019562, MONDO:0008667, OMIM 193300. Disease mechanism: loss of function.
VHL-related disorder. Also called: VHL-related condition.
Pheochromocytoma. Also called: MAX-Related Hereditary Paraganglioma-Pheochromocytoma Syndrome. Identifiers: Orphanet 29072, MedGen C0031511, MONDO:0008233, OMIM 171300, HP:0002666.
Nonpapillary renal cell carcinoma. Identifiers: Orphanet 422526, MedGen CN074294, MONDO:0007763, OMIM 144700.
Hereditary cancer-predisposing syndrome. Also called: Neoplastic Syndromes, Hereditary; Tumor predisposition; Hereditary neoplastic syndrome; Hereditary Cancer Syndrome. Identifiers: Orphanet 140162, MedGen C0027672, MeSH D009386, MONDO:0015356.

Submissions (6):

Labcorp Genetics (formerly Invitae), Labcorp
Classification: Uncertain significance for Von Hippel-Lindau syndrome; Chuvash polycythemia. Last evaluated: 2025-10-01. Review status: criteria provided, single submitter. Criteria: Invitae Variant Classification Sherloc (09022015). Collection method: clinical testing. Allele origin: germline.
Comment: This sequence change replaces glycine, which is neutral and non-polar, with valine, which is neutral and non-polar, at codon 29 of the VHL protein (p.Gly29Val). Information on the frequency of this variant in the gnomAD database is not available, as this variant may be reported differently in the database. This variant has not been reported in the literature in individuals affected with VHL-related conditions. ClinVar contains an entry for this variant (Variation ID: 246132). An algorithm developed to predict the effect of missense changes on protein structure and function (PolyPhen-2) suggests that this variant is likely to be disruptive. In summary, the available evidence is currently insufficient to determine the role of this variant in disease. Therefore, it has been classified as a Variant of Uncertain Significance.

GeneDx
Classification: Uncertain significance. Last evaluated: 2023-12-07. Review status: criteria provided, single submitter. Criteria: GeneDx Variant Classification Process June 2021. Collection method: clinical testing. Allele origin: germline. Affected: yes.
Comment: Not observed at significant frequency in large population cohorts (gnomAD); In silico analysis supports that this variant does not alter protein structure/function; Has not been previously published as pathogenic or benign to our knowledge

Baylor Genetics
Classification: Uncertain significance for Chuvash polycythemia. Last evaluated: 2023-10-23. Review status: criteria provided, single submitter. Criteria: ACMG Guidelines, 2015. Collection method: clinical testing. Allele origin: unknown.

Ambry Genetics
Classification: Uncertain significance for Hereditary cancer-predisposing syndrome. Last evaluated: 2023-08-19. Review status: criteria provided, single submitter. Criteria: Ambry Variant Classification Scheme 2023. Collection method: clinical testing. Allele origin: germline.
Comment: The c.86_87delGCinsTT variant (also known as p.G29V), located in coding exon 1 of the VHL gene, results from an in-frame deletion of GC and insertion of TT at nucleotide positions 86 to 87. This results in the substitution of the glycine residue for a valine residue at codon 29, an amino acid with dissimilar properties. This amino acid position is well conserved on limited sequence alignment. In addition, this alteration is predicted to be neutral by in silico analysis (Choi Y et al. PLoS ONE. 2012; 7(10):e46688). Since supporting evidence is limited at this time, the clinical significance of this alteration remains unclear.

PreventionGenetics, part of Exact Sciences
Classification: Uncertain significance for VHL-related condition. Last evaluated: 2022-09-09. Review status: criteria provided, single submitter. Criteria: ACMG Guidelines, 2015. Collection method: clinical testing. Allele origin: germline.
Comment: The VHL c.86_87delinsTT variant is predicted to result in an in-frame deletion and insertion. To our knowledge, this variant has not been reported in the literature or in a large population database, indicating this variant is rare. In ClinVar this variant has been interpreted as uncertain. At this time, the clinical significance of this variant is uncertain due to the absence of conclusive functional and genetic evidence.

Department of Pathology and Laboratory Medicine, Sinai Health System
Classification: Uncertain significance for Nonpapillary renal cell carcinoma; Pheochromocytoma; Von Hippel-Lindau syndrome; Chuvash polycythemia. Last evaluated: 2022-05-06. Review status: criteria provided, single submitter. Criteria: ACMG Guidelines, 2015. Collection method: clinical testing. Allele origin: germline. Affected: yes.

NM_000551.4(VHL):c.86_87delinsTT (p.Gly29Val)

Gene: VHL (von Hippel-Lindau tumor suppressor; plus strand). Cytogenetic location: 3p25.3.
Variant type: Indel.
Coding change: c.86_87delinsTT on transcript NM_000551.4 (MANE Select); coding-DNA positions 86 to 87, GC replaced by TT.
Protein change: p.Gly29Val; replaces glycine 29 with valine.
Molecular consequence: missense variant.
Genome position (GRCh38, 1-based): chr3:10,141,933-10,141,934, GC replaced by TT. VCF-style: chr3-10141933-GC-TT. GRCh37 (hg19) VCF-style: chr3-10183617-GC-TT.
Other names: c.86_87delGCinsTT (NM_000551.3); c.86_87delinsTT (NM_000551.3); c.86_87delinsTT, p.Gly29Val (NM_001354723.2, NM_198156.3); short protein forms G29V.
Identifiers: ClinVar variation 246132 (VCV000246132.17), dbSNP rs879254115, ClinGen allele CA10584228.
Genomic context (GRCh38, chr3:10,141,933, plus strand): 5'-ACGAGGCCGAGGTAGGCGCGGAGGAGGCAGGCGTCGAAGAGTACGGCCCTGAAGAAGACG[GC>TT]GGGGAGGAGTCGGGCGCCGAGGAGTCCGGCCCGGAAGAGTCCGGCCCGGAGGAACTGGGC-3'
Protein context (NP_000542.1, residues 19-39): GVEEYGPEED[Gly29Val]GEESGAEESG